The following is an entry in ClinVar:

NM_001903.5(CTNNA1):c.2493G>C (p.Gln831His)

Gene: CTNNA1 (catenin alpha 1; plus strand). Cytogenetic location: 5q31.2.
Variant type: single nucleotide variant.
Coding change: c.2493G>C on transcript NM_001903.5 (MANE Select); coding-DNA position 2493, G replaced by C.
Protein change: p.Gln831His; replaces glutamine 831 with histidine.
Molecular consequence: missense variant. On other transcripts: 3 prime UTR variant (5).
Genome position (GRCh38, 1-based): chr5:138,933,861, G>C. VCF-style: chr5-138933861-G-C. GRCh37 (hg19) VCF-style: chr5-138269550-G-C.
Other names: c.*38G>C (NM_001290307.3, NM_001324002.1, NM_001324003.1 and 2 more transcripts); c.2184G>C, p.Gln728His (NM_001290309.3); c.2124G>C, p.Gln708His (NM_001290310.3); c.1383G>C, p.Gln461His (NM_001290312.1, NM_001323987.1, NM_001323988.1 and 12 more transcripts); c.2493G>C, p.Gln831His (NM_001323982.2, NM_001323983.1, NM_001323984.2); c.2466G>C, p.Gln822His (NM_001323985.2); c.2400G>C, p.Gln800His (NM_001323986.2); c.1044G>C, p.Gln348His (NM_001324006.1, NM_001324007.1, NM_001324008.1 and 2 more transcripts); and 4 more; short protein forms Q461H, Q728H, Q831H, Q348H, Q380H, Q416H, Q822H, Q430H.
Identifiers: ClinVar variation 643191 (VCV000643191.21), dbSNP rs781450977, ClinGen allele CA3432252.

ClinVar aggregate classification (germline): Conflicting classifications of pathogenicity. Review status: criteria provided, conflicting classifications (1 of 4 stars). 8 submissions from 8 submitters: Uncertain significance (6); Likely benign (2). Last evaluated 2026-08-21.

Conditions:
Patterned macular dystrophy 2. Identifiers: Orphanet 99001, MedGen C1837029, MONDO:0012162, OMIM 608970.
Hereditary cancer-predisposing syndrome. Also called: Neoplastic Syndromes, Hereditary; Tumor predisposition; Hereditary neoplastic syndrome; Hereditary Cancer Syndrome. Identifiers: Orphanet 140162, MedGen C0027672, MeSH D009386, MONDO:0015356.
CTNNA1-related disorder. Also called: CTNNA1-related condition.
Hereditary nonpolyposis colon cancer (HNPCC). Also called: Hereditary Nonpolyposis Colorectal Cancer Syndrome; Hereditary nonpolyposis colorectal cancer; Familial nonpolyposis colon cancer. Identifiers: Orphanet 443909, MedGen C1333990, MONDO:0018630. Disease mechanism: loss of function.
Hereditary diffuse gastric adenocarcinoma (HDGC). Also called: DIFFUSE GASTRIC AND LOBULAR BREAST CANCER SYNDROME. Identifiers: Orphanet 26106, MedGen C1708349, MONDO:0007648, OMIM 137215.

Allele frequency attached by ClinVar (database versions not stated): gnomAD 0.00005 and 0.00006; ExAC 0.00006; gnomAD exomes 0.00008; TOPMed 0.00008.
gnomAD v4.1: 104 of 1,614,186 alleles (0.0064%); highest among the groups gnomAD compares: Non-Finnish European, 0.0082%; 1 homozygote.

Submissions (8):

PreventionGenetics, part of Exact Sciences
Classification: Uncertain significance for CTNNA1-related condition. Last evaluated: 2026-08-21. Review status: criteria provided, single submitter. Criteria: ACMG Guidelines, 2015. Collection method: clinical testing. Allele origin: germline.
Comment: The CTNNA1 c.2493G>C variant is predicted to result in the amino acid substitution p.Gln831His. This variant has been reported in individuals undergoing multi-gene hereditary cancer testing (Supplemental Table 2, Clark et al. 2020. PubMed ID: 32051609). This variant is reported in 0.017% of alleles in individuals of European (Non-Finnish) descent in gnomAD and has classifications ranging from uncertain to likely benign in ClinVar (Variation ID: 643191). Although we suspect that this variant may be benign, at this time, the clinical significance of this variant is uncertain due to the absence of conclusive functional and genetic evidence.

Labcorp Genetics (formerly Invitae), Labcorp
Classification: Uncertain significance. Last evaluated: 2025-12-15. Review status: criteria provided, single submitter. Criteria: Invitae Variant Classification Sherloc (09022015). Collection method: clinical testing. Allele origin: germline.
Comment: This sequence change replaces glutamine, which is neutral and polar, with histidine, which is basic and polar, at codon 831 of the CTNNA1 protein (p.Gln831His). This variant is present in population databases (rs781450977, gnomAD 0.02%). This variant has not been reported in the literature in individuals affected with CTNNA1-related conditions. ClinVar contains an entry for this variant (Variation ID: 643191). Invitae Evidence Modeling of protein sequence and biophysical properties (such as structural, functional, and spatial information, amino acid conservation, physicochemical variation, residue mobility, and thermodynamic stability) indicates that this missense variant is not expected to disrupt CTNNA1 protein function with a negative predictive value of 80%. In summary, the available evidence is currently insufficient to determine the role of this variant in disease. Therefore, it has been classified as a Variant of Uncertain Significance.

Dasa
Classification: Uncertain significance. Last evaluated: 2025-11-17. Review status: criteria provided, single submitter. Criteria: DASA Assertion Criteria. Collection method: clinical testing. Allele origin: germline.
Comment: NM_001903.5(CTNNA1):c.2493G>C (p.Gln831His) is a missense variant that results in the substitution of glutamine with histidine. This variant is rare in population databases. Computational prediction algorithms are consistent with a benign effect. The currently available literature and clinical evidence are not sufficient to establish a definitive association between this variant and the reported condition. Therefore, this variant is classified as a variant of uncertain significance.

Department of Pathology and Laboratory Medicine, Sinai Health System
Classification: Uncertain significance for hereditary nonpolyposis colon cancer. Last evaluated: 2024-03-25. Review status: criteria provided, single submitter. Criteria: ACMG Guidelines, 2015. Collection method: clinical testing. Allele origin: germline. Affected: yes.

Baylor Genetics
Classification: Uncertain significance for Patterned macular dystrophy 2. Last evaluated: 2023-09-26. Review status: criteria provided, single submitter. Criteria: ACMG Guidelines, 2015. Collection method: clinical testing. Allele origin: unknown.

GeneDx
Classification: Uncertain significance. Last evaluated: 2023-09-06. Review status: criteria provided, single submitter. Criteria: GeneDx Variant Classification Process June 2021. Collection method: clinical testing. Allele origin: germline.
Comment: In silico analysis supports that this missense variant has a deleterious effect on protein structure/function; Observed in individuals referred for hereditary cancer multi-gene panel testing (PMID: 32051609); This variant is associated with the following publications: (PMID: 32051609)

Ambry Genetics
Classification: Likely benign for Hereditary cancer-predisposing syndrome. Last evaluated: 2023-05-09. Review status: criteria provided, single submitter. Criteria: Ambry Variant Classification Scheme 2023. Collection method: clinical testing. Allele origin: germline.

Myriad Genetics, Inc.
Classification: Likely benign for Hereditary diffuse gastric adenocarcinoma. Last evaluated: 2023-03-08. Review status: criteria provided, single submitter. Criteria: Myriad Autosomal Dominant, Autosomal Recessive and X-Linked Classification Criteria (2023). Collection method: clinical testing. Allele origin: unknown.
Comment: This variant is considered likely benign. This variant has been observed at a population frequency that is significantly greater than expected given the associated disease prevalence and penetrance.

Literature cited by the submitters: PubMed 32051609 (cited by Ambry Genetics).